The following is an entry in ClinVar:

NM_000719.7(CACNA1C):c.5552C>G (p.Pro1851Arg)

Genes: CACNA1C (calcium voltage-gated channel subunit alpha1 C; plus strand), CACNA1C-AS1 (CACNA1C antisense RNA 1; minus strand). Cytogenetic location: 12p13.33.
Variant type: single nucleotide variant.
Coding change: c.5552C>G on transcript NM_000719.7 (MANE Select); coding-DNA position 5552, C replaced by G.
Protein change: p.Pro1851Arg; replaces proline 1851 with arginine.
Molecular consequence: missense variant.
Genome position (GRCh38, 1-based): chr12:2,682,657, C>G. VCF-style: chr12-2682657-C-G. GRCh37 (hg19) VCF-style: chr12-2791823-C-G.
Other names: c.5696C>G, p.Pro1899Arg (NM_001129827.2); c.5675C>G, p.Pro1892Arg (NM_001129829.2); c.5657C>G, p.Pro1886Arg (NM_001129830.3, NM_001167624.3); c.5636C>G, p.Pro1879Arg (NM_001129831.2); c.5612C>G, p.Pro1871Arg (NM_001129832.2); c.5609C>G, p.Pro1870Arg (NM_001129833.2, NM_001129834.2, NM_001129835.2); c.5603C>G, p.Pro1868Arg (NM_001129836.2); c.5576C>G, p.Pro1859Arg (NM_001129837.2, NM_001129838.2); and 6 more; short protein forms P1840R, P1848R, P1851R, P1857R, P1859R, P1868R, P1870R, P1871R.
Identifiers: ClinVar variation 4076688 (VCV004076688.1).

ClinVar aggregate classification (germline): Uncertain significance (1 of 4 stars; one submission).

Submission:

GeneDx
Classification: Uncertain significance. Last evaluated: 2025-02-19. Review status: criteria provided, single submitter. Criteria: GeneDx Variant Classification Process June 2021. Collection method: clinical testing. Allele origin: germline. Affected: yes.
Comment: Not observed at significant frequency in large population cohorts (gnomAD); In silico analysis indicates that this missense variant does not alter protein structure/function; Has not been previously published as pathogenic or benign to our knowledge